The following is an entry in ClinVar:

NM_000535.7(PMS2):c.267A>T (p.Thr89=)

Gene: PMS2 (PMS1 homolog 2, mismatch repair system component; minus strand). Cytogenetic location: 7p22.1.
Variant type: single nucleotide variant.
Coding change: c.267A>T on transcript NM_000535.7 (MANE Select); coding-DNA position 267, A replaced by T.
Protein change: p.Thr89=; no amino-acid change (threonine 89 retained).
Molecular consequence: synonymous variant. On other transcripts: 5 prime UTR variant (35), non-coding transcript variant (1), intron variant (11).
Genome position (GRCh38, 1-based): chr7:6,003,776, T>A on the plus strand (A>T on the coding strand, the complement: PMS2 is on the minus strand). VCF-style: chr7-6003776-T-A. GRCh37 (hg19) VCF-style: chr7-6043407-T-A.
Other names: c.-139A>T (NM_001322003.2, NM_001322004.2, NM_001322005.2 and 13 more transcripts); c.267A>T, p.Thr89= (NM_001322006.2, NM_001322014.2, NM_001406869.1 and 8 more transcripts); c.-618A>T (NM_001322011.2, NM_001322012.2); c.-218A>T (NM_001322015.2, NM_001406875.1, NM_001406877.1 and 3 more transcripts); c.453A>T, p.Thr151= (NM_001406866.1); c.291A>T, p.Thr97= (NM_001406868.1); c.-165A>T (NM_001406880.1); c.-86A>T (NM_001406888.1, NM_001406889.1, NM_001406892.1 and 6 more transcripts); and 5 more.
Identifiers: ClinVar variation 3903903 (VCV003903903.1).

ClinVar aggregate classification (germline): Benign (1 of 4 stars; one submission).

Conditions:
Lynch syndrome 4 (LYNCH4). Also called: Colorectal cancer, hereditary nonpolyposis, type 4; Hereditary non-polyposis colorectal cancer, type 4. Identifiers: Orphanet 144, MedGen C1838333, MONDO:0013699, OMIM 614337. Disease mechanism: loss of function.

Submission:

Myriad Genetics, Inc.
Classification: Benign for Lynch syndrome 4. Last evaluated: 2025-01-24. Review status: criteria provided, single submitter. Criteria: Myriad Autosomal Dominant, Autosomal Recessive and X-Linked Classification Criteria (2023). Collection method: clinical testing. Allele origin: unknown.
Comment: This variant is considered benign. This variant is a silent/synonymous amino acid change and it is not expected to impact splicing.